The following is an entry in ClinVar:

ClinVar aggregate classification (germline): Likely benign (1 of 4 stars; one submission).

Allele frequency attached by ClinVar (database versions not stated): 1000 Genomes Project 30x 0.00250; 1000 Genomes Project 0.00300; TOPMed 0.00343; ESP Exome Variant Server 0.00531; gnomAD 0.00721; ExAC 0.00791.
gnomAD v4.1: 9,338 of 1,614,054 alleles (0.58%); highest among the groups gnomAD compares: Non-Finnish European, 0.56%; 129 homozygotes.

Submission:

CeGaT Center for Human Genetics Tuebingen
Classification: Likely benign. Last evaluated: 2023-01-01. Review status: criteria provided, single submitter. Criteria: CeGaT Center For Human Genetics Tuebingen Variant Classification Criteria Version 2. Collection method: clinical testing. Allele origin: germline. Affected: yes. Observed: 1 variant allele.
Comment: NPC1L1: BP4, BS2

NM_001101648.2(NPC1L1):c.812C>T (p.Ala271Val)

Gene: NPC1L1 (NPC1 like intracellular cholesterol transporter 1; minus strand). Cytogenetic location: 7p13.
Variant type: single nucleotide variant.
Coding change: c.812C>T on transcript NM_001101648.2 (MANE Select); coding-DNA position 812, C replaced by T.
Protein change: p.Ala271Val; replaces alanine 271 with valine.
Molecular consequence: missense variant.
Genome position (GRCh38, 1-based): chr7:44,539,585, G>A on the plus strand (C>T on the coding strand, the complement: NPC1L1 is on the minus strand). VCF-style: chr7-44539585-G-A. GRCh37 (hg19) VCF-style: chr7-44579184-G-A.
Other names: c.812C>T, p.Ala271Val (NM_001300967.2, NM_013389.3); short protein forms A271V.
Identifiers: ClinVar variation 2657433 (VCV002657433.24), dbSNP rs117724326, ClinGen allele CA4242355.